The following is an entry in ClinVar:

ClinVar aggregate classification (germline): Uncertain significance. Review status: criteria provided, multiple submitters, no conflicts (2 of 4 stars). 2 submissions from 2 submitters: Uncertain significance (2). Last evaluated 2022-11-06.

Conditions:
Cardiomyopathy (CMYO). Also called: Cardiomyopathies. Identifiers: Orphanet 167848, MedGen C0878544, MONDO:0004994, HP:0001638. Inheritance: Various modes of inheritance.
Arrhythmogenic cardiomyopathy with wooly hair and keratoderma. Also called: Arrhythmogenic cardiomyopathy with woolly hair and keratoderma; PALMOPLANTAR KERATODERMA WITH LEFT VENTRICULAR CARDIOMYOPATHY AND WOOLLY HAIR; Dilated cardiomyopathy with woolly hair and keratoderma; Carvajal syndrome. Identifiers: Orphanet 65282, MedGen C1854063, MONDO:0011581, OMIM 605676.
Arrhythmogenic right ventricular dysplasia 8 (ARVD8). Also called: Arrhythmogenic Right Ventricular Dysplasia/Cardiomyopathy 8; ARRHYTHMOGENIC RIGHT VENTRICULAR CARDIOMYOPATHY 8; ARRHYTHMOGENIC RIGHT VENTRICULAR DYSPLASIA, FAMILIAL, 8. Identifiers: MedGen C1843896, MONDO:0011831, OMIM 607450.

Submissions (2):

Color Diagnostics, LLC DBA Color Health
Classification: Uncertain significance for Cardiomyopathy. Last evaluated: 2022-11-06. Review status: criteria provided, single submitter. Criteria: ACMG Guidelines, 2015. Collection method: clinical testing. Allele origin: germline.
Comment: This missense variant replaces aspartic acid with glycine at codon 960 of the DSP protein. Computational prediction suggests that this variant may not impact protein structure and function (internally defined REVEL score threshold <= 0.5, PMID: 27666373). To our knowledge, functional studies have not been reported for this variant. This variant has not been reported in individuals affected with DSP-related disorders in the literature. This variant has not been identified in the general population by the Genome Aggregation Database (gnomAD). The available evidence is insufficient to determine the role of this variant in disease conclusively. Therefore, this variant is classified as a Variant of Uncertain Significance.

Labcorp Genetics (formerly Invitae), Labcorp
Classification: Uncertain significance for Arrhythmogenic cardiomyopathy with wooly hair and keratoderma; Arrhythmogenic right ventricular dysplasia 8. Last evaluated: 2022-05-01. Review status: criteria provided, single submitter. Criteria: Invitae Variant Classification Sherloc (09022015). Collection method: clinical testing. Allele origin: germline.
Comment: In summary, the available evidence is currently insufficient to determine the role of this variant in disease. Therefore, it has been classified as a Variant of Uncertain Significance. Algorithms developed to predict the effect of missense changes on protein structure and function (SIFT, PolyPhen-2, Align-GVGD) all suggest that this variant is likely to be disruptive. This variant has not been reported in the literature in individuals affected with DSP-related conditions. This variant is not present in population databases (gnomAD no frequency). This sequence change replaces aspartic acid, which is acidic and polar, with glycine, which is neutral and non-polar, at codon 960 of the DSP protein (p.Asp960Gly).

NM_004415.4(DSP):c.2879A>G (p.Asp960Gly)

Gene: DSP (desmoplakin; plus strand). Cytogenetic location: 6p24.3.
Variant type: single nucleotide variant.
Coding change: c.2879A>G on transcript NM_004415.4 (MANE Select); coding-DNA position 2879, A replaced by G.
Protein change: p.Asp960Gly; replaces aspartic acid 960 with glycine.
Molecular consequence: missense variant.
Genome position (GRCh38, 1-based): chr6:7,577,780, A>G. VCF-style: chr6-7577780-A-G. GRCh37 (hg19) VCF-style: chr6-7578013-A-G.
Other names: c.2879A>G, p.Asp960Gly (NM_001008844.3, NM_001319034.2); short protein forms D960G.
Identifiers: ClinVar variation 1919317 (VCV001919317.7), dbSNP rs1759285758, ClinGen allele CA362682353.